The following is an entry in ClinVar:

ClinVar aggregate classification (germline): Uncertain significance (1 of 4 stars; one submission).

Submission:

Labcorp Genetics (formerly Invitae), Labcorp
Classification: Uncertain significance. Last evaluated: 2020-04-28. Review status: criteria provided, single submitter. Criteria: Invitae Variant Classification Sherloc (09022015). Collection method: clinical testing. Allele origin: germline.
Comment: In summary, the available evidence is currently insufficient to determine the role of this variant in disease. Therefore, it has been classified as a Variant of Uncertain Significance. Algorithms developed to predict the effect of missense changes on protein structure and function are either unavailable or do not agree on the potential impact of this missense change (SIFT: "Deleterious"; PolyPhen-2: "Probably Damaging"; Align-GVGD: "Class C0"). This variant has not been reported in the literature in individuals with EYS-related conditions. This variant is not present in population databases (ExAC no frequency). This sequence change replaces phenylalanine with serine at codon 3090 of the EYS protein (p.Phe3090Ser). The phenylalanine residue is highly conserved and there is a large physicochemical difference between phenylalanine and serine.

NM_001142800.2(EYS):c.9269T>C (p.Phe3090Ser)

Genes: EYS (EGF-like photoreceptor maintenance factor; minus strand), PHF3 (PHD finger protein 3; plus strand). Cytogenetic location: 6q12.
Variant type: single nucleotide variant.
Coding change: c.9269T>C on transcript NM_001142800.2 (MANE Select); coding-DNA position 9269, T replaced by C.
Protein change: p.Phe3090Ser; replaces phenylalanine 3090 with serine.
Molecular consequence: missense variant. On other transcripts: 3 prime UTR variant (5).
Genome position (GRCh38, 1-based): chr6:63,720,762, A>G on the plus strand (T>C on the coding strand, the complement: EYS is on the minus strand). VCF-style: chr6-63720762-A-G. GRCh37 (hg19) VCF-style: chr6-64430658-A-G.
Other names: c.*7054A>G (NM_001290259.2, NM_001370348.2, NM_001370349.2 and 2 more transcripts); c.9332T>C, p.Phe3111Ser (NM_001292009.2); short protein forms F3090S, F3111S.
Identifiers: ClinVar variation 1044034 (VCV001044034.8), dbSNP rs1768345901, ClinGen allele CA364382868.